The following is an entry in ClinVar:

ClinVar aggregate classification (germline): Uncertain significance (1 of 4 stars; one submission).

Allele frequency attached by ClinVar (database versions not stated): gnomAD exomes below 0.00001 and 0.00001; gnomAD 0.00001; TOPMed 0.00001.
gnomAD v4.1: 2 of 1,210,748 alleles (0.00017%); highest among the groups gnomAD compares: Admixed American, 0.0044%; no homozygotes.

Submission:

GeneDx
Classification: Uncertain significance. Last evaluated: 2019-07-20. Review status: criteria provided, single submitter. Criteria: GeneDx Variant Classification Process June 2021. Collection method: clinical testing. Allele origin: germline. Affected: yes.
Comment: In silico analysis, which includes protein predictors and evolutionary conservation, supports that this variant does not alter protein structure/function; Has not been previously published as pathogenic or benign to our knowledge

NM_173495.3(PTCHD1):c.1300A>G (p.Asn434Asp)

Gene: PTCHD1 (patched domain containing 1; plus strand). Cytogenetic location: Xp22.11.
Variant type: single nucleotide variant.
Coding change: c.1300A>G on transcript NM_173495.3 (MANE Select); coding-DNA position 1300, A replaced by G.
Protein change: p.Asn434Asp; replaces asparagine 434 with aspartic acid.
Molecular consequence: missense variant.
Genome position (GRCh38, 1-based): chrX:23,392,818, A>G. VCF-style: chrX-23392818-A-G. GRCh37 (hg19) VCF-style: chrX-23410935-A-G.
Other names: short protein forms N434D.
Identifiers: ClinVar variation 1306217 (VCV001306217.2), dbSNP rs1196724620, ClinGen allele CA412583528.